The following is an entry in ClinVar:

NM_001291867.2(NHS):c.3057A>G (p.Ala1019=)

Gene: NHS (NHS actin remodeling regulator; plus strand). Cytogenetic location: Xp22.13.
Variant type: single nucleotide variant.
Coding change: c.3057A>G on transcript NM_001291867.2 (MANE Select); coding-DNA position 3057, A replaced by G.
Protein change: p.Ala1019=; no amino-acid change (alanine 1019 retained).
Molecular consequence: synonymous variant.
Genome position (GRCh38, 1-based): chrX:17,727,163, A>G. VCF-style: chrX-17727163-A-G. GRCh37 (hg19) VCF-style: chrX-17745283-A-G.
Other names: c.2526A>G, p.Ala842= (NM_001136024.4); c.2463A>G, p.Ala821= (NM_001291868.2); c.2994A>G, p.Ala998= (NM_198270.4).
Identifiers: ClinVar variation 588982 (VCV000588982.54), dbSNP rs751373846, ClinGen allele CA10358789.

ClinVar aggregate classification (germline): Benign/Likely benign. Review status: criteria provided, multiple submitters, no conflicts (2 of 4 stars). 4 submissions from 4 submitters: Benign (1); Likely benign (2). 1 of the submissions does not count toward it. Last evaluated 2026-01-28.

Conditions:
NHS-related disorder. Also called: NHS-related condition.
Nance-Horan syndrome (NHS). Identifiers: Orphanet 627, MedGen C0796085, MONDO:0010545, OMIM 302350.
Inborn genetic diseases. Identifiers: MedGen C0950123, MeSH D030342.

Allele frequency attached by ClinVar (database versions not stated): gnomAD below 0.00001 and 0.00029; TOPMed 0.00007; gnomAD exomes 0.00045 and 0.00110; ExAC 0.00128; 1000 Genomes Project 30x 0.00395; 1000 Genomes Project 0.00477.
gnomAD v4.1: 543 of 1,208,955 alleles (0.045%); highest among the groups gnomAD compares: South Asian, 0.8%; 7 homozygotes.

Submissions (4):

Labcorp Genetics (formerly Invitae), Labcorp
Classification: Benign for Nance-Horan syndrome. Last evaluated: 2026-01-28. Review status: criteria provided, single submitter. Criteria: Invitae Variant Classification Sherloc (09022015). Collection method: clinical testing. Allele origin: germline.

Blueprint Genetics
Classification: Likely benign. Last evaluated: 2024-11-13. Review status: criteria provided, single submitter. Criteria: ACMG Guidelines, 2015. Collection method: clinical testing. Allele origin: germline.

Ambry Genetics
Classification: Likely benign for Inborn genetic diseases. Last evaluated: 2017-05-18. Review status: criteria provided, single submitter. Criteria: Ambry Variant Classification Scheme 2023. Collection method: clinical testing. Allele origin: germline.

PreventionGenetics, part of Exact Sciences
Classification: Benign for NHS-related condition. Last evaluated: 2024-08-08. Review status: no assertion criteria provided. Collection method: clinical testing. Allele origin: germline. Not counted in ClinVar's aggregate classification.
Comment: This variant is classified as benign based on ACMG/AMP sequence variant interpretation guidelines (Richards et al. 2015 PMID: 25741868, with internal and published modifications).